The following is an entry in ClinVar:

ClinVar aggregate classification (germline): Likely pathogenic (1 of 4 stars; one submission).

Conditions:
Intellectual developmental disorder, X-linked, syndromic, Claes-Jensen type. Also called: INTELLECTUAL DEVELOPMENTAL DISORDER, X-LINKED, SYNDROMIC 16; MENTAL RETARDATION, X-LINKED, SYNDROMIC 16; Syndromic X-linked intellectual disability Claes-Jensen type. Identifiers: Orphanet 85279, MedGen C1845243, MONDO:0010355, OMIM 300534.

Submission:

Molecular Genetics Laboratory, Motol Hospital
Classification: Likely pathogenic for Intellectual developmental disorder, X-linked, syndromic, Claes-Jensen type. Last evaluated: 2024-12-13. Review status: criteria provided, single submitter. Criteria: ACMG Guidelines, 2015. Collection method: clinical testing. Allele origin: germline. Affected: yes. Observed: 1 variant allele.
Comment: Rare truncating variants affecting the KDM5C gene are documented as a molecular cause of "Claes-Jensen type of X-linked syndromic intellectual developmental disorder" (MRXSCJ; OMIM:300534; PMID:36553533;19826449;26580603).To conclude, the variant is classified as likely pathogenic (ACMG PM2, PVS1).

Literature cited by the submitters: PubMed 36553533; PubMed 19826449; PubMed 26580603.

NM_004187.5(KDM5C):c.4046del (p.Gly1349fs)

Gene: KDM5C (lysine demethylase 5C; minus strand). Cytogenetic location: Xp11.22.
Variant type: Deletion.
Coding change: c.4046del on transcript NM_004187.5 (MANE Select); coding-DNA position 4046, one base deleted (G; older notation c.4046delG).
Protein change: p.Gly1349fs; shifts the reading frame from glycine 1349.
Molecular consequence: frameshift variant. On other transcripts: non-coding transcript variant (3).
Genome position (GRCh38, 1-based): chrX:53,193,844, C deleted on the plus strand (G on the coding strand, the reverse complement: KDM5C is on the minus strand); the first of 3 consecutive C bases (chrX:53,193,844-53,193,846); deleting any one gives the same sequence. VCF-style (leftmost placement, unchanged base first): chrX-53193843-GC-G. GRCh37 (hg19) VCF-style: chrX-53223025-GC-G.
Other names: c.3845del, p.Gly1282fs (NM_001146702.2); c.4043del, p.Gly1348fs (NM_001282622.3, NM_001353979.2, NM_001353982.2); c.4046del, p.Gly1349fs (NM_001353978.3, NM_001353981.2, NM_001353984.2); short protein forms G1282fs, G1348fs, G1349fs.
Identifiers: ClinVar variation 3387772 (VCV003387772.2).